The following is an entry in ClinVar:

NM_000038.6(APC):c.5504G>A (p.Arg1835Lys)

Gene: APC (APC regulator of Wnt signaling pathway; plus strand). Cytogenetic location: 5q22.2.
Variant type: single nucleotide variant.
Coding change: c.5504G>A on transcript NM_000038.6 (MANE Select); coding-DNA position 5504, G replaced by A.
Protein change: p.Arg1835Lys; replaces arginine 1835 with lysine.
Molecular consequence: missense variant.
Genome position (GRCh38, 1-based): chr5:112,841,098, G>A. VCF-style: chr5-112841098-G-A. GRCh37 (hg19) VCF-style: chr5-112176795-G-A.
Other names: c.5504G>A, p.Arg1835Lys (NM_001127510.3, NM_001354895.2, NM_001407450.1); c.5450G>A, p.Arg1817Lys (NM_001127511.3); c.5558G>A, p.Arg1853Lys (NM_001354896.2, NM_001407447.1, NM_001407448.1 and 1 more transcripts); c.5534G>A, p.Arg1845Lys (NM_001354897.2); c.5429G>A, p.Arg1810Lys (NM_001354898.2); c.5420G>A, p.Arg1807Lys (NM_001354899.2); c.5381G>A, p.Arg1794Lys (NM_001354900.2); c.5327G>A, p.Arg1776Lys (NM_001354901.2, NM_001407453.1); and 11 more; short protein forms R1451K, R1552K, R1675K, R1706K, R1709K, R1734K, R1744K, R1752K.
Identifiers: ClinVar variation 1721481 (VCV001721481.6), dbSNP rs2149941868, ClinGen allele CA16033372.

ClinVar aggregate classification (germline): Uncertain significance (1 of 4 stars; one submission).

Conditions:
Familial adenomatous polyposis 1 (FAP1). Also called: FAMILIAL ADENOMATOUS POLYPOSIS 1, ATTENUATED; POLYPOSIS, ADENOMATOUS INTESTINAL. Identifiers: MedGen C2713442, MONDO:0021056, OMIM 175100. Disease mechanism: loss of function.

Submission:

Labcorp Genetics (formerly Invitae), Labcorp
Classification: Uncertain significance for Familial adenomatous polyposis 1. Last evaluated: 2022-10-12. Review status: criteria provided, single submitter. Criteria: Invitae Variant Classification Sherloc (09022015). Collection method: clinical testing. Allele origin: germline.
Comment: In summary, the available evidence is currently insufficient to determine the role of this variant in disease. Therefore, it has been classified as a Variant of Uncertain Significance. Advanced modeling of protein sequence and biophysical properties (such as structural, functional, and spatial information, amino acid conservation, physicochemical variation, residue mobility, and thermodynamic stability) performed at Invitae indicates that this missense variant is not expected to disrupt APC protein function. This variant has not been reported in the literature in individuals affected with APC-related conditions. This variant is not present in population databases (gnomAD no frequency). This sequence change replaces arginine, which is basic and polar, with lysine, which is basic and polar, at codon 1835 of the APC protein (p.Arg1835Lys).